The following is an entry in ClinVar:

NM_001384140.1(PCDH15):c.2630T>A (p.Leu877Ter)

Gene: PCDH15 (protocadherin related 15; minus strand). Cytogenetic location: 10q21.1.
Variant type: single nucleotide variant.
Coding change: c.2630T>A on transcript NM_001384140.1 (MANE Select); coding-DNA position 2630, T replaced by A.
Protein change: p.Leu877Ter; replaces leucine 877 with a stop codon.
Molecular consequence: nonsense.
Genome position (GRCh38, 1-based): chr10:54,020,313, A>T on the plus strand (T>A on the coding strand, the complement: PCDH15 is on the minus strand). VCF-style: chr10-54020313-A-T. GRCh37 (hg19) VCF-style: chr10-55780073-A-T.
Other names: c.2630T>A (NM_033056.3); c.2564T>A, p.Leu855Ter (NM_001142773.2, NM_001354404.2, NM_001142768.2); c.2651T>A, p.Leu884Ter (NM_001354411.2); c.2630T>A, p.Leu877Ter (NM_001354420.2, NM_001354429.2, NM_001354430.2 and 5 more transcripts); c.2645T>A, p.Leu882Ter (NM_001142763.2, NM_001142771.2); c.2417T>A, p.Leu806Ter (NM_001142765.2); c.2519T>A, p.Leu840Ter (NM_001142767.2); c.2666T>A, p.Leu889Ter (NM_001142769.4); short protein forms L840*, L855*, L889*, L877*, L884*, L806*, L882*.
Identifiers: ClinVar variation 1454964 (VCV001454964.9), dbSNP rs2092876200, ClinGen allele CA376522339.

ClinVar aggregate classification (germline): Pathogenic/Likely pathogenic. Review status: criteria provided, multiple submitters, no conflicts (2 of 4 stars). 4 submissions from 4 submitters: Pathogenic (2); Likely pathogenic (2). Last evaluated 2026-09-15.

Conditions:
PCDH15-related disorder. Also called: PCDH15-related condition; PCDH15-related disorders.
Usher syndrome type 1F (USH1F). Also called: USHER SYNDROME, TYPE IF. Identifiers: Orphanet 231169, Orphanet 886, MedGen C1865885, MONDO:0011186, OMIM 602083.
Autosomal recessive nonsyndromic hearing loss 23. Identifiers: Orphanet 90636, MedGen C1836027, MONDO:0012293, OMIM 609533.

Allele frequency attached by ClinVar (database versions not stated): TOPMed below 0.00001; gnomAD exomes 0.00001.
gnomAD v4.1: 5 of 1,613,868 alleles (0.00031%); highest among the groups gnomAD compares: Non-Finnish European, 0.00042%; no homozygotes.

Submissions (4):

PreventionGenetics, part of Exact Sciences
Classification: Likely pathogenic for PCDH15-related condition. Last evaluated: 2026-09-15. Review status: criteria provided, single submitter. Criteria: ACMG Guidelines, 2015. Collection method: clinical testing. Allele origin: germline.
Comment: The PCDH15 c.2630T>A variant is predicted to result in premature protein termination (p.Leu877*). To our knowledge, this variant has not been reported in the literature or in a large population database (gnomAD), indicating this variant is rare. This variant has not been reported in a large population database (gnomAD), indicating this variant is rare. Nonsense variants in PCDH15 are expected to be pathogenic. This variant is interpreted as likely pathogenic.

Labcorp Genetics (formerly Invitae), Labcorp
Classification: Pathogenic. Last evaluated: 2026-01-09. Review status: criteria provided, single submitter. Criteria: Invitae Variant Classification Sherloc (09022015). Collection method: clinical testing. Allele origin: germline.
Comment: This sequence change creates a premature translational stop signal (p.Leu877*) in the PCDH15 gene. It is expected to result in an absent or disrupted protein product. Loss-of-function variants in PCDH15 are known to be pathogenic (PMID: 11398101, 11487575, 14570705). This variant is not present in population databases (gnomAD no frequency). This variant has not been reported in the literature in individuals affected with PCDH15-related conditions. ClinVar contains an entry for this variant (Variation ID: 1454964). For these reasons, this variant has been classified as Pathogenic.

Natera, Inc.
Classification: Likely pathogenic for Usher syndrome type 1F. Last evaluated: 2024-12-08. Review status: criteria provided, single submitter. Criteria: Natera Variant Classification Schema (03/2026). Collection method: clinical testing. Allele origin: germline.
Comment: The c.2630T>A variant in PCDH15 is a nonsense variant predicted to introduce a stop codon at amino acid 877. This variant is expected to result in nonsense mediated decay, truncation, or a dysfunctional protein product. This variant is rare in the general population with a frequency below the threshold expected for the associated phenotype(s). Given the available evidence, this variant is classified as Likely Pathogenic.

Baylor Genetics
Classification: Pathogenic for Autosomal recessive nonsyndromic hearing loss 23. Last evaluated: 2023-05-29. Review status: criteria provided, single submitter. Criteria: ACMG Guidelines, 2015. Collection method: clinical testing. Allele origin: unknown.

Literature cited by the submitters: PubMed 11398101 (cited by Labcorp Genetics (formerly Invitae), Labcorp); PubMed 11487575 (cited by Labcorp Genetics (formerly Invitae), Labcorp); PubMed 14570705 (cited by Labcorp Genetics (formerly Invitae), Labcorp).